The following is an entry in ClinVar:

NM_001287.6(CLCN7):c.213G>A (p.Pro71=)

Gene: CLCN7 (Cl-/H+ antiporter 7; minus strand). Cytogenetic location: 16p13.3.
Variant type: single nucleotide variant.
Coding change: c.213G>A on transcript NM_001287.6 (MANE Select); coding-DNA position 213, G replaced by A.
Protein change: p.Pro71=; no amino-acid change (proline 71 retained).
Molecular consequence: synonymous variant. On other transcripts: intron variant (1).
Genome position (GRCh38, 1-based): chr16:1,465,267, C>T on the plus strand (G>A on the coding strand, the complement: CLCN7 is on the minus strand). VCF-style: chr16-1465267-C-T. GRCh37 (hg19) VCF-style: chr16-1515268-C-T.
Other names: c.142-3593G>A (NM_001114331.3).
Identifiers: ClinVar variation 3023226 (VCV003023226.4), dbSNP rs762701523, ClinGen allele CA492924733.

ClinVar aggregate classification (germline): Uncertain significance (1 of 4 stars; one submission).

Allele frequency attached by ClinVar (database versions not stated): TOPMed below 0.00001; gnomAD 0.00001.

Submissions (2):

Labcorp Genetics (formerly Invitae), Labcorp
Classification: Uncertain significance. Last evaluated: 2024-12-19. Review status: criteria provided, single submitter. Criteria: Invitae Variant Classification Sherloc (09022015). Collection method: clinical testing. Allele origin: germline.
Comment: This sequence change affects codon 71 of the CLCN7 mRNA. It is a 'silent' change, meaning that it does not change the encoded amino acid sequence of the CLCN7 protein. This variant also falls at the last nucleotide of exon 2, which is part of the consensus splice site for this exon. This variant is present in population databases (no rsID available, gnomAD 0.003%). This variant has not been reported in the literature in individuals affected with CLCN7-related conditions. ClinVar contains an entry for this variant (Variation ID: 3023226). Variants that disrupt the consensus splice site are a relatively common cause of aberrant splicing (PMID: 17576681, 9536098). Algorithms developed to predict the effect of sequence changes on RNA splicing suggest that this variant is not likely to affect RNA splicing. In summary, the available evidence is currently insufficient to determine the role of this variant in disease. Therefore, it has been classified as a Variant of Uncertain Significance.

Dr. Peter K. Rogan Lab, Western University
No classification provided (evidence only). Condition: Uveal melanoma. Review status: no classification provided. Collection method: in vitro. Allele origin: not applicable. Functional consequence: skipped exon, retained intron. Not counted in ClinVar's aggregate classification.

Literature cited by the submitters: PubMed 17576681 (cited by Labcorp Genetics (formerly Invitae), Labcorp); PubMed 9536098 (cited by Labcorp Genetics (formerly Invitae), Labcorp).